The following is an entry in ClinVar:

NM_001135146.2(SLC39A8):c.840+4T>C

Gene: SLC39A8 (solute carrier family 39 member 8; minus strand). Cytogenetic location: 4q24.
Variant type: single nucleotide variant.
Coding change: c.840+4T>C on transcript NM_001135146.2 (MANE Select); 4 bases into the intron after coding-DNA position 840, T replaced by C.
Molecular consequence: intron variant.
Genome position (GRCh38, 1-based): chr4:102,304,313, A>G on the plus strand (T>C on the coding strand, the complement: SLC39A8 is on the minus strand). VCF-style: chr4-102304313-A-G. GRCh37 (hg19) VCF-style: chr4-103225470-A-G.
Other names: c.840+4T>C (NM_001135147.1, NM_022154.5); c.639+4T>C (NM_001135148.2).
Identifiers: ClinVar variation 3384851 (VCV003384851.1).

ClinVar aggregate classification (germline): Uncertain significance (1 of 4 stars; one submission).

gnomAD v4.1: 4 of 1,605,248 alleles (0.00025%); highest among the groups gnomAD compares: African/African-American, 0.0054%; no homozygotes.

Submission:

Women's Health and Genetics/Laboratory Corporation of America, LabCorp
Classification: Uncertain significance. Last evaluated: 2024-10-08. Review status: criteria provided, single submitter. Criteria: LabCorp Variant Classification Summary - May 2015. Collection method: clinical testing. Allele origin: germline.
Comment: Variant summary: SLC39A8 c.840+4T>C alters a conserved nucleotide located close to a canonical splice site and therefore could affect mRNA splicing, leading to a significantly altered protein sequence. Consensus agreement among computation tools predict no significant impact on normal splicing. However, these predictions have yet to be confirmed by functional studies. The variant was absent in 247802 control chromosomes. The available data on variant occurrences in the general population are insufficient to allow any conclusion about variant significance. To our knowledge, no occurrence of c.840+4T>C in individuals affected with SLC39A8-CDG and no experimental evidence demonstrating its impact on protein function have been reported. No submitters have cited clinical-significance assessments for this variant to ClinVar. Based on the evidence outlined above, the variant was classified as uncertain significance.